The following is an entry in ClinVar:

NM_005633.4(SOS1):c.*2983C>T

Gene: SOS1 (SOS Ras/Rac guanine nucleotide exchange factor 1; minus strand). Cytogenetic location: 2p22.1.
Variant type: single nucleotide variant.
Coding change: c.*2983C>T on transcript NM_005633.4 (MANE Select); 2983 bases downstream of the stop codon, C replaced by T.
Molecular consequence: 3 prime UTR variant.
Genome position (GRCh38, 1-based): chr2:38,982,841, G>A on the plus strand (C>T on the coding strand, the complement: SOS1 is on the minus strand). VCF-style: chr2-38982841-G-A. GRCh37 (hg19) VCF-style: chr2-39209982-G-A.
Other names: c.*2983C>T (NM_001382394.1, NM_001382395.1).
Identifiers: ClinVar variation 335978 (VCV000335978.5), dbSNP rs190454003, ClinGen allele CA10613313.
Genomic context (GRCh38, chr2:38,982,841, plus strand): 5'-CATGACCATAAATACCAACTAATTTTTGGTTTACATAAGGTAATTTTTGATTTATGGAGG[G>A]AAAAAAACCTTTAAGAATTTAGAATCATAATATAGCCTCCAGCTGACATAGTAATTGTTC-3'

ClinVar aggregate classification (germline): Benign/Likely benign. Review status: criteria provided, single submitter (1 of 4 stars). 2 submissions from 1 submitter: Benign (1); Likely benign (1). Last evaluated 2018-01-13.

Conditions:
Fibromatosis, gingival, 1 (GINGF1). Identifiers: Orphanet 2024, MedGen C4551558, MONDO:0007609, OMIM 135300.
Noonan syndrome 4 (NS4). Also called: SOS1-Related Noonan Syndrome; NOONAN SYNDROME WITH PIGMENTED VILLONODULAR SYNOVITIS. Identifiers: Orphanet 648, MedGen C1853120, MONDO:0012547, OMIM 610733.

Allele frequency attached by ClinVar (database versions not stated): 1000 Genomes Project 0.00240; 1000 Genomes Project 30x 0.00328; gnomAD 0.00337 and 0.00352; TOPMed 0.00425.

Submissions (2):

Illumina Laboratory Services, Illumina
Classification: Likely benign for Noonan syndrome 4. Last evaluated: 2018-01-13. Review status: criteria provided, single submitter. Criteria: ICSL Variant Classification Criteria 13 December 2019. Collection method: clinical testing. Allele origin: germline.
Comment: This variant was observed in the ICSL laboratory as part of a predisposition screen in an ostensibly healthy population. It had not been previously curated by ICSL or reported in the Human Gene Mutation Database (HGMD: prior to June 1st, 2018), and was therefore a candidate for classification through an automated scoring system. Utilizing variant allele frequency, disease prevalence and penetrance estimates, and inheritance mode, an automated score was calculated to assess if this variant is too frequent to cause the disease. Based on the score and internal cut-off values, a variant classified as likely benign is not then subjected to further curation. The score for this variant resulted in a classification of likely benign for this disease.

Illumina Laboratory Services, Illumina
Classification: Benign for Fibromatosis, gingival, 1. Last evaluated: 2018-01-13. Review status: criteria provided, single submitter. Criteria: ICSL Variant Classification Criteria 13 December 2019. Collection method: clinical testing. Allele origin: germline.
Comment: This variant was observed in the ICSL laboratory as part of a predisposition screen in an ostensibly healthy population. It had not been previously curated by ICSL or reported in the Human Gene Mutation Database (HGMD: prior to June 1st, 2018), and was therefore a candidate for classification through an automated scoring system. Utilizing variant allele frequency, disease prevalence and penetrance estimates, and inheritance mode, an automated score was calculated to assess if this variant is too frequent to cause the disease. Based on the score and internal cut-off values, a variant classified as benign is not then subjected to further curation. The score for this variant resulted in a classification of benign for this disease.